The following is an entry in ClinVar:

ClinVar aggregate classification (germline): Uncertain significance (1 of 4 stars; one submission).

Submission:

GeneDx
Classification: Uncertain significance. Last evaluated: 2025-09-30. Review status: criteria provided, single submitter. Criteria: GeneDx Variant Classification Process June 2021. Collection method: clinical testing. Allele origin: germline.
Comment: Not observed at significant frequency in large population cohorts (gnomAD); Has not been previously published as pathogenic or benign to our knowledge; In silico analysis suggests this variant may impact gene splicing. In the absence of RNA/functional studies, the actual effect of this sequence change is unknown.

NM_006593.4(TBR1):c.762G>A (p.Val254=)

Gene: TBR1 (T-box brain transcription factor 1; plus strand). Cytogenetic location: 2q24.2.
Variant type: single nucleotide variant.
Coding change: c.762G>A on transcript NM_006593.4 (MANE Select); coding-DNA position 762, G replaced by A.
Protein change: p.Val254=; no amino-acid change (valine 254 retained).
Molecular consequence: synonymous variant.
Genome position (GRCh38, 1-based): chr2:161,417,745, G>A. VCF-style: chr2-161417745-G-A. GRCh37 (hg19) VCF-style: chr2-162274256-G-A.
Identifiers: ClinVar variation 2573869 (VCV002573869.2), dbSNP rs2468091746, ClinGen allele CA429653935.
Genomic context (GRCh38, chr2:161,417,745, plus strand): 5'-TCCTTTTTTAAGTTTTAACATTTCTGGTCTCGATCCCACGGCTCATTACAATATTTTTGT[G>A]GATGTGATTTTGGCGGATCCCAATCACTGGAGGTTTCAAGGAGGCAAATGGGTTCCTTGC-3'
Protein context (NP_006584.1, residues 244-264): LDPTAHYNIF[Val254=]DVILADPNHW